The following is an entry in ClinVar:

ClinVar aggregate classification (germline): Uncertain significance (1 of 4 stars; one submission).

gnomAD v4.1: 2 of 1,549,934 alleles (0.00013%); highest among the groups gnomAD compares: Admixed American, 0.002%; no homozygotes.

Submission:

Women's Health and Genetics/Laboratory Corporation of America, LabCorp
Classification: Uncertain significance. Last evaluated: 2026-04-06. Review status: criteria provided, single submitter. Criteria: LabCorp Variant Classification Summary - May 2015. Collection method: clinical testing. Allele origin: germline.
Comment: Variant summary: ZNF469 c.3899G>A (p.Ser1300Asn) results in a conservative amino acid change in the encoded protein sequence. Algorithms developed to predict the effect of missense changes on protein structure and function are either unavailable or do not agree on the potential impact of this missense change. The variant was absent in 150632 control chromosomes. The available data on variant occurrences in the general population are insufficient to allow any conclusion about variant significance. To our knowledge, no occurrence of c.3899G>A in individuals affected with ZNF469-related conditions and no experimental evidence demonstrating its impact on protein function have been reported. No submitters have cited clinical-significance assessments for this variant to ClinVar. Based on the evidence outlined above, the variant was classified as uncertain significance.

NM_001367624.2(ZNF469):c.3899G>A (p.Ser1300Asn)

Gene: ZNF469 (zinc finger protein 469; plus strand). Cytogenetic location: 16q24.2.
Variant type: single nucleotide variant.
Coding change: c.3899G>A on transcript NM_001367624.2 (MANE Select); coding-DNA position 3899, G replaced by A.
Protein change: p.Ser1300Asn; replaces serine 1300 with asparagine.
Molecular consequence: missense variant.
Genome position (GRCh38, 1-based): chr16:88,431,369, G>A. VCF-style: chr16-88431369-G-A. GRCh37 (hg19) VCF-style: chr16-88497777-G-A.
Other names: short protein forms S1300N.
Identifiers: ClinVar variation 4848871 (VCV004848871.1).
Genomic context (GRCh38, chr16:88,431,369, plus strand): 5'-CGTCGGGAAGCCTCGCCAACACGGCGCCCCACGGAAGCTCGCCAACGCCAGGTGTGGGCA[G>A]CCTGCTGGGTGGTCCTGGGGGCACACAGGCCCCAGTCTCCCACAACAGCAAGGACCCCCC-3'
Protein context (NP_001354553.1, residues 1290-1310): HGSSPTPGVG[Ser1300Asn]LLGGPGGTQA